The following is an entry in ClinVar:

NM_177438.3(DICER1):c.4248_4268dup (p.Asp1416_Glu1422dup)

Gene: DICER1 (dicer 1, ribonuclease III; minus strand). Cytogenetic location: 14q32.13.
Variant type: Duplication.
Coding change: c.4248_4268dup on transcript NM_177438.3 (MANE Select); coding-DNA positions 4248 to 4268, 21 bases duplicated (TTACGAGGAGGAGGATGAGGA).
Protein change: p.Asp1416_Glu1422dup.
Molecular consequence: inframe insertion.
Genome position (GRCh38, 1-based): chr14:95,096,652-95,096,672, TCCTCATCCTCCTCCTCGTAA duplicated on the plus strand (TTACGAGGAGGAGGATGAGGA on the coding strand, the reverse complement: DICER1 is on the minus strand); duplicating any 21 consecutive bases within chr14:95,096,652-95,096,681 gives the same sequence; the c. name uses the placement nearest the transcript's 3' end. VCF-style (leftmost placement, unchanged base first): chr14-95096651-C-CTCCTCATCCTCCTCCTCGTAA. GRCh37 (hg19) VCF-style: chr14-95562988-C-CTCCTCATCCTCCTCCTCGTAA.
Other names: c.4248_4268dup, p.Asp1416_Glu1422dup (NM_001195573.1, NM_001271282.3, NM_001291628.2 and 1 more transcripts).
Identifiers: ClinVar variation 940056 (VCV000940056.11), dbSNP rs1890376286, ClinGen allele CA1139663703.

ClinVar aggregate classification (germline): Uncertain significance (1 of 4 stars; one submission).

Conditions:
DICER1-related tumor predisposition. Also called: DICER1 syndrome; DICER1-related pleuropulmonary blastoma cancer predisposition syndrome. Identifiers: Orphanet 284343, MedGen C3839822, MONDO:0100216.

Submission:

Labcorp Genetics (formerly Invitae), Labcorp
Classification: Uncertain significance for DICER1-related tumor predisposition. Last evaluated: 2023-04-23. Review status: criteria provided, single submitter. Criteria: Invitae Variant Classification Sherloc (09022015). Collection method: clinical testing. Allele origin: germline.
Comment: In summary, the available evidence is currently insufficient to determine the role of this variant in disease. Therefore, it has been classified as a Variant of Uncertain Significance. Experimental studies and prediction algorithms are not available or were not evaluated, and the functional significance of this variant is currently unknown. ClinVar contains an entry for this variant (Variation ID: 940056). This variant has not been reported in the literature in individuals affected with DICER1-related conditions. This variant is not present in population databases (gnomAD no frequency). This variant, c.4248_4268dup, results in the insertion of 7 amino acid(s) of the DICER1 protein (p.Asp1416_Glu1422dup), but otherwise preserves the integrity of the reading frame.